The following is an entry in ClinVar:

ClinVar aggregate classification (germline): Conflicting classifications of pathogenicity. Review status: criteria provided, conflicting classifications (1 of 4 stars). 10 submissions from 10 submitters: Pathogenic (1); Uncertain significance (6). 3 of the submissions do not count toward it. Last evaluated 2025-11-24.

Conditions:
Cystic fibrosis (CF). Also called: MUCOVISCIDOSIS. Identifiers: Orphanet 586, MedGen C0010674, MONDO:0009061, OMIM 219700. Disease mechanism: loss of function.

Allele frequency attached by ClinVar (database versions not stated): gnomAD 0.00004 and 0.00001; TOPMed 0.00003; gnomAD exomes 0.00002.
gnomAD v4.1: 36 of 1,602,056 alleles (0.0022%); highest among the groups gnomAD compares: Non-Finnish European, 0.0028%; no homozygotes.

Submissions (10):

Women's Health and Genetics/Laboratory Corporation of America, LabCorp
Classification: Uncertain significance. Last evaluated: 2025-11-24. Review status: criteria provided, single submitter. Criteria: LabCorp Variant Classification Summary - May 2015. Collection method: clinical testing. Allele origin: germline.
Comment: Variant summary: CFTR c.1745C>T (p.Thr582Ile) results in a non-conservative amino acid change located in the ABC transporter-like and AAA+ ATPase domains of the encoded protein sequence. Five of five in-silico tools predict a damaging effect of the variant on protein function. The variant allele was found at a frequency of 2.2e-05 in 1602056 control chromosomes (gnomAD database v4). c.1745C>T has been reported in the literature in individuals affected with Cystic Fibrosis (des Georges_2004, Sobczynska-Tomaszewska_2013). These data indicate that the variant may be associated with disease. At least one publication reports experimental evidence evaluating an impact on protein function. The results indicate the variant has some impact on protein function (Hatton_2022, Zavoti_2025). The following publications have been ascertained in the context of this evaluation (PMID: 15698946, 22892530, 34949556, 40785054). ClinVar contains an entry for this variant (Variation ID: 53371). Based on the evidence outlined above, the variant was classified as VUS-possibly pathogenic.

Quest Diagnostics Nichols Institute San Juan Capistrano
Classification: Uncertain significance. Last evaluated: 2025-11-05. Review status: criteria provided, single submitter. Criteria: Quest Diagnostics criteria. Collection method: clinical testing. Allele origin: unknown.
Comment: The CFTR c.1745C>T (p.Thr582Ile) variant has been reported in the published literature in individuals affected with clinical manifestations associated with cystic fibrosis (CF) (PMIDs: 10923036 (2000), 15698946 (2004), 22892530 (2013), 24243928 (2014), 30081288 (2018), 34949556 (2021), 34998674 (2022)) and congenital bilateral absence of the vas deferens (CBAVD) (CFTR-France). Experimental studies have shown that this variant resulted in a mild impact that reduced CFTR protein expression/maturation and chloride conductance, but was responsive to pharmaceutical modulators (PMIDs: 34949556 (2021), 34998674 (2022), 40785054 (2025)). The frequency of this variant in the general population (Genome Aggregation Database) is uninformative in the assessment of its pathogenicity. Based on the available information, we are unable to determine the clinical significance of this variant.

Ambry Genetics
Classification: Uncertain significance for Cystic fibrosis. Last evaluated: 2025-09-22. Review status: criteria provided, single submitter. Criteria: Ambry Variant Classification Scheme 2023. Collection method: clinical testing. Allele origin: germline.
Comment: The p.T582I variant (also known as c.1745C>T), located in coding exon 13 of the CFTR gene, results from a C to T substitution at nucleotide position 1745. The threonine at codon 582 is replaced by isoleucine, an amino acid with similar properties. This amino acid position is highly conserved in available vertebrate species. In addition, this alteration is predicted to be deleterious by in silico analysis. Based on the available evidence, the clinical significance of this variant remains unclear.

Institute of Human Genetics, University of Leipzig Medical Center
Classification: Pathogenic for Cystic fibrosis. Last evaluated: 2022-09-05. Review status: criteria provided, single submitter. Criteria: ACMG Guidelines, 2015. Collection method: curation. Allele origin: unknown. Affected: yes. Observed: 2 variant alleles.
Comment: This variant was identified in 2 unrelated patients with a clinically confirmed diagnosis of cystic fibrosis. The variant was classified in the context of a project re-classifying variants in the German Cystic Fibrosis Registry (Muko.e.V.). Criteria applied: PM2_SUP, PM3_STR, PM5_STR, PP3

Johns Hopkins Genomics, Johns Hopkins University
Classification: Uncertain significance for Cystic fibrosis. Last evaluated: 2022-05-03. Review status: criteria provided, single submitter. Criteria: ACMG Guidelines, 2015. Collection method: clinical testing. Allele origin: germline.

Genome-Nilou Lab
Classification: Uncertain significance for Cystic fibrosis. Last evaluated: 2021-09-05. Review status: criteria provided, single submitter. Criteria: ACMG Guidelines, 2015. Collection method: clinical testing. Allele origin: germline. Affected: no.

Labcorp Genetics (formerly Invitae), Labcorp
Classification: Uncertain significance for Cystic fibrosis. Last evaluated: 2021-08-31. Review status: criteria provided, single submitter. Criteria: Invitae Variant Classification Sherloc (09022015). Collection method: clinical testing. Allele origin: germline.
Comment: This sequence change replaces threonine with isoleucine at codon 582 of the CFTR protein (p.Thr582Ile). The threonine residue is moderately conserved and there is a moderate physicochemical difference between threonine and isoleucine. This variant is not present in population databases (ExAC no frequency). This missense change has been observed in individual(s) with clinical features of cystic fibrosis (PMID: 10923036, 15698946). ClinVar contains an entry for this variant (Variation ID: 53371). Algorithms developed to predict the effect of missense changes on protein structure and function (SIFT, PolyPhen-2, Align-GVGD) all suggest that this variant is likely to be tolerated. In summary, the available evidence is currently insufficient to determine the role of this variant in disease. Therefore, it has been classified as a Variant of Uncertain Significance.

Natera, Inc.
Classification: Uncertain significance for Cystic Fibrosis. Last evaluated: 2020-09-16. Review status: no assertion criteria provided. Collection method: clinical testing. Allele origin: germline. Not counted in ClinVar's aggregate classification.

Counsyl
Classification: Uncertain significance for Cystic fibrosis. Last evaluated: 2017-06-29. Review status: no assertion criteria provided. Collection method: clinical testing. Allele origin: unknown. Not counted in ClinVar's aggregate classification.

ClinVar Staff, National Center for Biotechnology Information (NCBI)
No classification provided. Condition: CFTR-related disorders. Review status: no classification provided. Collection method: literature only. Allele origin: germline. Affected: yes. Not counted in ClinVar's aggregate classification.

Literature cited by the submitters: PubMed 15698946 (cited by 7 submitters); PubMed 22892530 (cited by 5 submitters); PubMed 34949556 (cited by 3 submitters); PubMed 40785054 (cited by Women's Health and Genetics/Laboratory Corporation of America, LabCorp and Quest Diagnostics Nichols Institute San Juan Capistrano); PubMed 29055982 (cited by Quest Diagnostics Nichols Institute San Juan Capistrano and Johns Hopkins Genomics, Johns Hopkins University); PubMed 34998674 (cited by Quest Diagnostics Nichols Institute San Juan Capistrano and Johns Hopkins Genomics, Johns Hopkins University); PubMed 24243928 (cited by Quest Diagnostics Nichols Institute San Juan Capistrano and Ambry Genetics); PubMed 10923036 (cited by 3 submitters); PubMed 10571949 (cited by Quest Diagnostics Nichols Institute San Juan Capistrano); PubMed 30081288 (cited by Quest Diagnostics Nichols Institute San Juan Capistrano).

NM_000492.4(CFTR):c.1745C>T (p.Thr582Ile)

Gene: CFTR (CF transmembrane conductance regulator; plus strand). Cytogenetic location: 7q31.2.
Variant type: single nucleotide variant.
Coding change: c.1745C>T on transcript NM_000492.4 (MANE Select); coding-DNA position 1745, C replaced by T.
Protein change: p.Thr582Ile; replaces threonine 582 with isoleucine.
Molecular consequence: missense variant.
Genome position (GRCh38, 1-based): chr7:117,590,418, C>T. VCF-style: chr7-117590418-C-T. GRCh37 (hg19) VCF-style: chr7-117230472-C-T.
Other names: short protein forms T582I.
Identifiers: ClinVar variation 53371 (VCV000053371.16), dbSNP rs397508293, ClinGen allele CA326653.